The following is an entry in ClinVar:

NM_004304.5(ALK):c.3157T>A (p.Ser1053Thr)

Gene: ALK (ALK receptor tyrosine kinase; minus strand). Cytogenetic location: 2p23.2.
Variant type: single nucleotide variant.
Coding change: c.3157T>A on transcript NM_004304.5 (MANE Select); coding-DNA position 3157, T replaced by A.
Protein change: p.Ser1053Thr; replaces serine 1053 with threonine.
Molecular consequence: missense variant.
Genome position (GRCh38, 1-based): chr2:29,225,476, A>T on the plus strand (T>A on the coding strand, the complement: ALK is on the minus strand). VCF-style: chr2-29225476-A-T. GRCh37 (hg19) VCF-style: chr2-29448342-A-T.
Other names: short protein forms S1053T.
Identifiers: ClinVar variation 4040992 (VCV004040992.1).
Genomic context (GRCh38, chr2:29,225,476, plus strand): 5'-TGCCTTCCTGCCCCCTTGGGAGTCCCTGGGGCTCTGTGCACTCACCAATCATGATGCCGG[A>T]GAAAGCCAGGACCAGGGCGGCCACGAGGGCAGAGGTCACCACAGAGAGGATCAGCGAGAG-3'
Protein context (NP_004295.2, residues 1043-1063): ALVAALVLAF[Ser1053Thr]GIMIVYRRKH

ClinVar aggregate classification (germline): Uncertain significance (1 of 4 stars; one submission).

Conditions:
Hereditary cancer-predisposing syndrome. Also called: Neoplastic Syndromes, Hereditary; Tumor predisposition; Hereditary neoplastic syndrome; Hereditary Cancer Syndrome. Identifiers: Orphanet 140162, MedGen C0027672, MeSH D009386, MONDO:0015356.

Submission:

Ambry Genetics
Classification: Uncertain significance for Hereditary cancer-predisposing syndrome. Last evaluated: 2025-05-19. Review status: criteria provided, single submitter. Criteria: Ambry Variant Classification Scheme 2023. Collection method: clinical testing. Allele origin: germline.
Comment: The p.S1053T variant (also known as c.3157T>A), located in coding exon 19 of the ALK gene, results from a T to A substitution at nucleotide position 3157. The serine at codon 1053 is replaced by threonine, an amino acid with similar properties. This amino acid position is conserved. In addition, this alteration is predicted to be tolerated by in silico analysis. Based on the available evidence, the clinical significance of this variant remains unclear.